The following is an entry in ClinVar:

ClinVar aggregate classification (germline): Uncertain significance (1 of 4 stars; one submission).

Submission:

Labcorp Genetics (formerly Invitae), Labcorp
Classification: Uncertain significance. Last evaluated: 2022-11-03. Review status: criteria provided, single submitter. Criteria: Invitae Variant Classification Sherloc (09022015). Collection method: clinical testing. Allele origin: germline.
Comment: In summary, the available evidence is currently insufficient to determine the role of this variant in disease. Therefore, it has been classified as a Variant of Uncertain Significance. This variant has not been reported in the literature in individuals affected with THBD-related conditions. This variant is not present in population databases (gnomAD no frequency). This sequence change affects codon 219 of the THBD mRNA. It is a 'silent' change, meaning that it does not change the encoded amino acid sequence of the THBD protein.

NM_000361.3(THBD):c.657C>A (p.Gly219=)

Gene: THBD (thrombomodulin; minus strand). Cytogenetic location: 20p11.21.
Variant type: single nucleotide variant.
Coding change: c.657C>A on transcript NM_000361.3 (MANE Select); coding-DNA position 657, C replaced by A.
Protein change: p.Gly219=; no amino-acid change (glycine 219 retained).
Molecular consequence: synonymous variant.
Genome position (GRCh38, 1-based): chr20:23,048,848, G>T on the plus strand (C>A on the coding strand, the complement: THBD is on the minus strand). VCF-style: chr20-23048848-G-T. GRCh37 (hg19) VCF-style: chr20-23029485-G-T.
Identifiers: ClinVar variation 2811870 (VCV002811870.3), dbSNP rs2515205037, ClinGen allele CA510160665.